The following is an entry in ClinVar:

ClinVar aggregate classification (germline): Uncertain significance (1 of 4 stars; one submission).

Conditions:
Catecholaminergic polymorphic ventricular tachycardia (CVPT). Also called: Catecholamine-induced polymorphic ventricular tachycardia. Identifiers: Orphanet 3286, MedGen C5574922, MONDO:0017990.

gnomAD v4.1: 1 of 1,576,584 alleles (0.000063%); no homozygotes.

Submission:

All of Us Research Program, National Institutes of Health
Classification: Uncertain significance for Catecholaminergic polymorphic ventricular tachycardia. Last evaluated: 2023-09-18. Review status: criteria provided, single submitter. Criteria: ACMG Guidelines, 2015. Collection method: clinical testing. Allele origin: germline. Inheritance: Autosomal dominant inheritance. Observed: 1 variant allele, 1 heterozygote.
Comment: This variant causes a T to G nucleotide substitution at the -13 position of intron 91 of the RYR2 gene. To our knowledge, functional studies have not been reported for this variant. This variant has not been reported in individuals affected with RYR2-related disorders in the literature. This variant has not been identified in the general population by the Genome Aggregation Database (gnomAD). The available evidence is insufficient to determine the role of this variant in disease conclusively. Therefore, this variant is classified as a Variant of Uncertain Significance.

This study involves interpretation of variants in research participants for the purpose of population health screening. Participant phenotype was not available at the time of variant classification. Additional details can be found in publication PMID: 35346344, PMCID: PMC8962531

NM_001035.3(RYR2):c.13329-13T>G

Gene: RYR2 (ryanodine receptor 2; plus strand). Cytogenetic location: 1q43.
Variant type: single nucleotide variant.
Coding change: c.13329-13T>G on transcript NM_001035.3 (MANE Select); 13 bases into the intron before coding-DNA position 13329, T replaced by G.
Molecular consequence: intron variant.
Genome position (GRCh38, 1-based): chr1:237,787,975, T>G. VCF-style: chr1-237787975-T-G. GRCh37 (hg19) VCF-style: chr1-237951275-T-G.
Identifiers: ClinVar variation 3073358 (VCV003073358.1), dbSNP rs2527854040, ClinGen allele CA345416321.